The following is an entry in ClinVar:

ClinVar aggregate classification (germline): Pathogenic (1 of 4 stars; one submission).

Conditions:
Intellectual developmental disorder with autism and macrocephaly. Also called: CHD8-Related Neurodevelopmental Disorder with Overgrowth; Autism, susceptibility to, 18. Identifiers: Orphanet 642675, MedGen C3554373, MONDO:0014017, OMIM 615032.

Submission:

Molecular Genetics Laboratory, Motol Hospital
Classification: Pathogenic for Intellectual developmental disorder with autism and macrocephaly. Last evaluated: 2025-05-02. Review status: criteria provided, single submitter. Criteria: ACMG Guidelines, 2015. Collection method: clinical testing. Allele origin: de novo. Affected: yes. Observed: 1 variant allele.
Comment: Not present in gnomAD (v4.1.0), dbSNP or ClinVar (PM2). Rare splicing variants affecting the CHD8 gene are documented as a molecular cause of autosomal dominant "intellectual developmental disorder with autism and macrocephaly" (IDDAM, MIM:615032; PMID:31721432;PMID:31001818;PMID:31980904) (PVS1).To conclude, the variant is classified as pathogenic (ACMG PM2, PS2, PVS1).

Literature cited by the submitters: PubMed 31721432; PubMed 31001818; PubMed 31980904.

NM_001170629.2(CHD8):c.1968+1G>A

Gene: CHD8 (chromodomain helicase DNA binding protein 8; minus strand). Cytogenetic location: 14q11.2.
Variant type: single nucleotide variant.
Coding change: c.1968+1G>A on transcript NM_001170629.2 (MANE Select); the canonical splice donor site of the intron after coding-DNA position 1968, G replaced by A.
Molecular consequence: splice donor variant.
Genome position (GRCh38, 1-based): chr14:21,415,573, C>T on the plus strand (G>A on the coding strand, the complement: CHD8 is on the minus strand). VCF-style: chr14-21415573-C-T. GRCh37 (hg19) VCF-style: chr14-21883732-C-T.
Other names: c.1131+1G>A (NM_020920.4).
Identifiers: ClinVar variation 3895540 (VCV003895540.1).